The following is an entry in ClinVar:

NM_000350.3(ABCA4):c.4223G>A (p.Trp1408Ter)

Gene: ABCA4 (ATP binding cassette subfamily A member 4; minus strand). Cytogenetic location: 1p22.1.
Variant type: single nucleotide variant.
Coding change: c.4223G>A on transcript NM_000350.3 (MANE Select); coding-DNA position 4223, G replaced by A.
Protein change: p.Trp1408Ter; replaces tryptophan 1408 with a stop codon.
Molecular consequence: nonsense.
Genome position (GRCh38, 1-based): chr1:94,031,026, C>T on the plus strand (G>A on the coding strand, the complement: ABCA4 is on the minus strand). VCF-style: chr1-94031026-C-T. GRCh37 (hg19) VCF-style: chr1-94496582-C-T.
Other names: c.4001G>A, p.Trp1334Ter (NM_001425324.1); short protein forms W1408*, W1334*.
Identifiers: ClinVar variation 860842 (VCV000860842.8), dbSNP rs61750134, ClinGen allele CA341286140.

ClinVar aggregate classification (germline): Pathogenic. Review status: criteria provided, multiple submitters, no conflicts (2 of 4 stars). 2 submissions from 2 submitters: Pathogenic (2). Last evaluated 2025-01-25.

Conditions:
ABCA4-related disorder. Also called: ABCA4-related condition; ABCA4-related disorders. Identifiers: MedGen CN239167.

Submissions (2):

Labcorp Genetics (formerly Invitae), Labcorp
Classification: Pathogenic. Last evaluated: 2025-01-25. Review status: criteria provided, single submitter. Criteria: Invitae Variant Classification Sherloc (09022015). Collection method: clinical testing. Allele origin: germline.
Comment: This sequence change creates a premature translational stop signal (p.Trp1408*) in the ABCA4 gene. It is expected to result in an absent or disrupted protein product. Loss-of-function variants in ABCA4 are known to be pathogenic (PMID: 10958761, 24938718, 25312043, 26780318). This variant is not present in population databases (gnomAD no frequency). This variant has not been reported in the literature in individuals affected with ABCA4-related conditions. ClinVar contains an entry for this variant (Variation ID: 860842). Algorithms developed to predict the effect of sequence changes on RNA splicing suggest that this variant may disrupt the consensus splice site. For these reasons, this variant has been classified as Pathogenic.

Blueprint Genetics
Classification: Pathogenic for ABCA4-related disorders. Last evaluated: 2021-09-04. Review status: criteria provided, single submitter. Criteria: ACMG Guidelines, 2015. Collection method: clinical testing. Allele origin: germline. Affected: yes. Observed: 3 variant alleles.

Literature cited by the submitters: PubMed 10958761 (cited by Labcorp Genetics (formerly Invitae), Labcorp); PubMed 24938718 (cited by Labcorp Genetics (formerly Invitae), Labcorp); PubMed 25312043 (cited by Labcorp Genetics (formerly Invitae), Labcorp); PubMed 26780318 (cited by Labcorp Genetics (formerly Invitae), Labcorp).